The following is an entry in ClinVar:

ClinVar aggregate classification (germline): Uncertain significance (1 of 4 stars; one submission).

Conditions:
Inborn genetic diseases. Identifiers: MedGen C0950123, MeSH D030342.

Submission:

Ambry Genetics
Classification: Uncertain significance for Inborn genetic diseases. Last evaluated: 2022-04-26. Review status: criteria provided, single submitter. Criteria: Ambry Variant Classification Scheme 2023. Collection method: clinical testing. Allele origin: germline.
Comment: The p.A11V variant (also known as c.32C>T), located in coding exon 1 of the MDH2 gene, results from a C to T substitution at nucleotide position 32. The alanine at codon 11 is replaced by valine, an amino acid with similar properties. This amino acid position is conserved. In addition, this alteration is predicted to be tolerated by in silico analysis. Since supporting evidence is limited at this time, the clinical significance of this alteration remains unclear.

NM_005918.4(MDH2):c.32C>T (p.Ala11Val)

Gene: MDH2 (malate dehydrogenase 2; plus strand). Cytogenetic location: 7q11.23.
Variant type: single nucleotide variant.
Coding change: c.32C>T on transcript NM_005918.4 (MANE Select); coding-DNA position 32, C replaced by T.
Protein change: p.Ala11Val; replaces alanine 11 with valine.
Molecular consequence: missense variant. On other transcripts: 5 prime UTR variant (1), non-coding transcript variant (1).
Genome position (GRCh38, 1-based): chr7:76,048,192, C>T. VCF-style: chr7-76048192-C-T. GRCh37 (hg19) VCF-style: chr7-75677510-C-T.
Other names: c.32C>T, p.Ala11Val (NM_001282403.2); c.-121C>T (NM_001282404.2); short protein forms A11V.
Identifiers: ClinVar variation 1729949 (VCV001729949.2), dbSNP rs1554584464, ClinGen allele CA367760066.
Genomic context (GRCh38, chr7:76,048,192, plus strand): 5'-TGCCAGTCGGTGCCCCTCCCGCTCCAGCCATGCTCTCCGCCCTCGCCCGGCCTGCCAGCG[C>T]TGCTCTCCGCCGCAGCTTCAGCACCTCGGCCCAGGTAGGCCAGACGAGGGGCGGCCTGCA-3'
Protein context (NP_005909.2, residues 1-21): MLSALARPAS[Ala11Val]ALRRSFSTSA